The following is an entry in ClinVar:

ClinVar aggregate classification (germline): Likely pathogenic. Review status: criteria provided, single submitter (1 of 4 stars). 3 submissions from 3 submitters: Likely pathogenic (1). 2 of the submissions do not count toward it. Last evaluated 2024-10-08.

Conditions:
Autosomal recessive nonsyndromic hearing loss 1A (DFNB1A). Also called: Deafness, autosomal recessive 1A; GJB2-Related Autosomal Recessive Nonsyndromic Hearing Loss; Connexin 26 deafness; Deafness nonsyndromic, Connexin 26 linked; Nonsyndromic Hearing Loss and Deafness, DFNB1; GJB6-Related DFNB 1 Nonsyndromic Hearing Loss and Deafness. Identifiers: Orphanet 90636, MedGen C2673759, MONDO:0009076, OMIM 220290.
Autosomal dominant nonsyndromic hearing loss 3A. Identifiers: Orphanet 90635, MedGen C2675750, MONDO:0011103, OMIM 601544.

Submissions (3):

Natera, Inc.
Classification: Likely pathogenic for Autosomal recessive deafness type 1A. Last evaluated: 2024-10-08. Review status: criteria provided, single submitter. Criteria: Natera Variant Classification Schema (03/2026). Collection method: clinical testing. Allele origin: germline.
Comment: The c.132G>C variant in GJB2 is a missense variant predicted to cause substitution of tryptophan to cysteine at amino acid 44. This variant is rare in the general population with a frequency below the threshold expected for the associated phenotype(s). This variant has been observed in affected individual(s) with monoallelic occurrence (heterozygous/hemizygous) (PMID: 9620796, 11298683). This variant has been observed to segregate in affected family members (PMID: 9620796, 11298683). Functional studies show that this variant may disrupt protein function (PMID: 10556284, 12064630). Computational prediction algorithms indicate this variant is likely to affect gene or protein function. Given the available evidence, this variant is classified as Likely Pathogenic.

OMIM
Classification: Pathogenic for DEAFNESS, AUTOSOMAL DOMINANT 3A. Last evaluated: 2001-04-01. Review status: no assertion criteria provided. Collection method: literature only. Allele origin: germline. Not counted in ClinVar's aggregate classification.

GeneReviews
No classification provided. Condition: Autosomal dominant nonsyndromic hearing loss 3A. Review status: no classification provided. Collection method: literature only. Allele origin: germline. Not counted in ClinVar's aggregate classification.

Literature cited by the submitters: PubMed 9620796 (cited by Natera, Inc.); PubMed 11298683 (cited by Natera, Inc. and OMIM); PubMed 10556284 (cited by Natera, Inc.); PubMed 12064630 (cited by Natera, Inc.); PubMed 20854437 (cited by OMIM); NCBI Bookshelf NBK1536 (cited by GeneReviews).

NM_004004.6(GJB2):c.132G>C (p.Trp44Cys)

Gene: GJB2 (gap junction protein beta 2; minus strand). Cytogenetic location: 13q12.11.
Variant type: single nucleotide variant.
Coding change: c.132G>C on transcript NM_004004.6 (MANE Select); coding-DNA position 132, G replaced by C.
Protein change: p.Trp44Cys; replaces tryptophan 44 with cysteine.
Molecular consequence: missense variant.
Genome position (GRCh38, 1-based): chr13:20,189,450, C>G on the plus strand (G>C on the coding strand, the complement: GJB2 is on the minus strand). VCF-style: chr13-20189450-C-G. GRCh37 (hg19) VCF-style: chr13-20763589-C-G.
Other names: short protein forms W44C.
Identifiers: ClinVar variation 17019 (VCV000017019.4), dbSNP rs104894407, ClinGen allele CA257679.